The following is an entry in ClinVar:

ClinVar aggregate classification (germline): Uncertain significance. Review status: criteria provided, multiple submitters, no conflicts (2 of 4 stars). 2 submissions from 2 submitters: Uncertain significance (2). Last evaluated 2026-06-30.

Conditions:
TTN-related disorder. Also called: TTN-related condition; TTN-related disease; TTN-related disorders.

Allele frequency attached by ClinVar (database versions not stated): gnomAD exomes below 0.00001.
gnomAD v4.1: 1 of 1,614,172 alleles (0.000062%); highest among the groups gnomAD compares: Non-Finnish European, 0.000085%; no homozygotes.

Submissions (2):

PreventionGenetics, part of Exact Sciences
Classification: Uncertain significance for TTN-related condition. Last evaluated: 2026-06-30. Review status: criteria provided, single submitter. Criteria: ACMG Guidelines, 2015. Collection method: clinical testing. Allele origin: germline.
Comment: The TTN c.805C>A variant is predicted to result in the amino acid substitution p.Pro269Thr. To our knowledge, this variant has not been reported in the literature or in a large population database (gnomAD), indicating this variant is rare. At this time, the clinical significance of this variant is uncertain due to the absence of conclusive functional and genetic evidence.

Eurofins Ntd Llc (ga)
Classification: Uncertain significance. Last evaluated: 2015-09-09. Review status: criteria provided, single submitter. Criteria: EGL Classification Definitions 2015. Collection method: clinical testing. Allele origin: germline. Observed: 1 variant allele, 1 heterozygote.

NM_001267550.2(TTN):c.805C>A (p.Pro269Thr)

Gene: TTN (titin; minus strand). Cytogenetic location: 2q31.2.
Variant type: single nucleotide variant.
Coding change: c.805C>A on transcript NM_001267550.2 (MANE Select); coding-DNA position 805, C replaced by A.
Protein change: p.Pro269Thr; replaces proline 269 with threonine.
Molecular consequence: missense variant.
Genome position (GRCh38, 1-based): chr2:178,799,596, G>T on the plus strand (C>A on the coding strand, the complement: TTN is on the minus strand). VCF-style: chr2-178799596-G-T. GRCh37 (hg19) VCF-style: chr2-179664323-G-T.
Other names: c.805C>A, p.Pro269Thr (NM_001256850.1, NM_003319.4, NM_133378.4 and 3 more transcripts); short protein forms P269T.
Identifiers: ClinVar variation 283274 (VCV000283274.6), dbSNP rs886042591, ClinGen allele CA10604446.